The following is an entry in ClinVar:

ClinVar aggregate classification (germline): Uncertain significance (1 of 4 stars; one submission).

Allele frequency attached by ClinVar (database versions not stated): gnomAD exomes below 0.00001; gnomAD 0.00002; 1000 Genomes Project 30x 0.00062.
gnomAD v4.1: 6 of 1,179,896 alleles (0.00051%); highest among the groups gnomAD compares: East Asian, 0.0052%; no homozygotes.

Submission:

Labcorp Genetics (formerly Invitae), Labcorp
Classification: Uncertain significance. Last evaluated: 2022-09-07. Review status: criteria provided, single submitter. Criteria: Invitae Variant Classification Sherloc (09022015). Collection method: clinical testing. Allele origin: germline.
Comment: This sequence change replaces proline, which is neutral and non-polar, with serine, which is neutral and polar, at codon 2422 of the PCLO protein (p.Pro2422Ser). The frequency data for this variant in the population databases is considered unreliable, as metrics indicate poor data quality at this position in the gnomAD database. This variant has not been reported in the literature in individuals affected with PCLO-related conditions. ClinVar contains an entry for this variant (Variation ID: 1345794). Algorithms developed to predict the effect of missense changes on protein structure and function are either unavailable or do not agree on the potential impact of this missense change (SIFT: "Tolerated"; PolyPhen-2: "Not Available"; Align-GVGD: "Class C0"). In summary, the available evidence is currently insufficient to determine the role of this variant in disease. Therefore, it has been classified as a Variant of Uncertain Significance.

NM_033026.6(PCLO):c.7264C>T (p.Pro2422Ser)

Gene: PCLO (piccolo presynaptic cytomatrix protein; minus strand). Cytogenetic location: 7q21.11.
Variant type: single nucleotide variant.
Coding change: c.7264C>T on transcript NM_033026.6 (MANE Select); coding-DNA position 7264, C replaced by T.
Protein change: p.Pro2422Ser; replaces proline 2422 with serine.
Molecular consequence: missense variant.
Genome position (GRCh38, 1-based): chr7:82,953,689, G>A on the plus strand (C>T on the coding strand, the complement: PCLO is on the minus strand). VCF-style: chr7-82953689-G-A. GRCh37 (hg19) VCF-style: chr7-82583005-G-A.
Other names: c.7264C>T, p.Pro2422Ser (NM_014510.3); short protein forms P2422S.
Identifiers: ClinVar variation 1345794 (VCV001345794.3), dbSNP rs754196073, ClinGen allele CA4320334.
Genomic context (GRCh38, chr7:82,953,689, plus strand): 5'-TTTTTTTAGGAAGAATAGTTGGTTTAGGTGAAGTTGGTGGAGGAAGTGGTGGGGGAGGAG[G>A]GGGTGGTGGTGGAGGAGGAGGAGGAGGGGGAGGGGGAGGAGGGGGAGGAGGTTGAGCTGA-3'
Protein context (NP_149015.2, residues 2412-2432): PPPPPPPPPP[Pro2422Ser]PPPPLPPPTS